The following is an entry in ClinVar:

ClinVar aggregate classification (germline): Uncertain significance. Review status: criteria provided, multiple submitters, no conflicts (2 of 4 stars). 2 submissions from 2 submitters: Uncertain significance (2). Last evaluated 2022-07-11.

Conditions:
Alstrom syndrome (ALMS). Identifiers: Orphanet 64, MedGen C0268425, MONDO:0008763, OMIM 203800.

Allele frequency attached by ClinVar (database versions not stated): TOPMed below 0.00001; gnomAD 0.00001.
gnomAD v4.1: 6 of 1,613,574 alleles (0.00037%); highest among the groups gnomAD compares: Non-Finnish European, 0.00051%; no homozygotes.

Submissions (2):

Labcorp Genetics (formerly Invitae), Labcorp
Classification: Uncertain significance for Alstrom syndrome. Last evaluated: 2022-07-11. Review status: criteria provided, single submitter. Criteria: Invitae Variant Classification Sherloc (09022015). Collection method: clinical testing. Allele origin: germline.
Comment: In summary, the available evidence is currently insufficient to determine the role of this variant in disease. Therefore, it has been classified as a Variant of Uncertain Significance. Experimental studies and prediction algorithms are not available or were not evaluated, and the functional significance of this variant is currently unknown. ClinVar contains an entry for this variant (Variation ID: 1435684). This variant has not been reported in the literature in individuals affected with ALMS1-related conditions. This variant is present in population databases (no rsID available, gnomAD 0.0009%). This sequence change replaces glycine, which is neutral and non-polar, with valine, which is neutral and non-polar, at codon 1461 of the ALMS1 protein (p.Gly1461Val).

Fulgent Genetics
Classification: Uncertain significance for Alstrom syndrome. Last evaluated: 2022-03-05. Review status: criteria provided, single submitter. Criteria: ACMG Guidelines, 2015. Collection method: clinical testing. Allele origin: unknown.

NM_001378454.1(ALMS1):c.4379G>T (p.Gly1460Val)

Gene: ALMS1 (ALMS1 centrosome and basal body associated protein; plus strand). Cytogenetic location: 2p13.1.
Variant type: single nucleotide variant.
Coding change: c.4379G>T on transcript NM_001378454.1 (MANE Select); coding-DNA position 4379, G replaced by T.
Protein change: p.Gly1460Val; replaces glycine 1460 with valine.
Molecular consequence: missense variant.
Genome position (GRCh38, 1-based): chr2:73,450,906, G>T. VCF-style: chr2-73450906-G-T. GRCh37 (hg19) VCF-style: chr2-73678033-G-T.
Other names: c.4382G>T, p.Gly1461Val (NM_015120.4); short protein forms G1461V, G1460V.
Identifiers: ClinVar variation 1435684 (VCV001435684.7), dbSNP rs776345925, ClinGen allele CA347278419.